The following is an entry in ClinVar:

NM_001371727.1(GABRB2):c.151C>A (p.Leu51Met)

Gene: GABRB2 (gamma-aminobutyric acid type A receptor subunit beta2; minus strand). Cytogenetic location: 5q34.
Variant type: single nucleotide variant.
Coding change: c.151C>A on transcript NM_001371727.1 (MANE Select); coding-DNA position 151, C replaced by A.
Protein change: p.Leu51Met; replaces leucine 51 with methionine.
Molecular consequence: missense variant.
Genome position (GRCh38, 1-based): chr5:161,546,340, G>T on the plus strand (C>A on the coding strand, the complement: GABRB2 is on the minus strand). VCF-style: chr5-161546340-G-T. GRCh37 (hg19) VCF-style: chr5-160973346-G-T.
Other names: c.151C>A, p.Leu51Met (NM_000813.3, NM_021911.3); short protein forms L51M.
Identifiers: ClinVar variation 933815 (VCV000933815.1), dbSNP rs1760985866, ClinGen allele CA362172565.

ClinVar aggregate classification (germline): Uncertain significance (1 of 4 stars; one submission).

Conditions:
Intellectual disability. Also called: Intellectual functioning disability; Intellectual developmental disorder; intellectual disabilities. Identifiers: MedGen C3714756, MeSH D008607, MONDO:0001071, HP:0001249.

Submission:

Labcorp Genetics (formerly Invitae), Labcorp
Classification: Uncertain significance for Intellectual disability. Last evaluated: 2019-08-29. Review status: criteria provided, single submitter. Criteria: Invitae Variant Classification Sherloc (09022015). Collection method: clinical testing. Allele origin: germline.
Comment: This sequence change replaces leucine with methionine at codon 51 of the GABRB2 protein (p.Leu51Met). The leucine residue is highly conserved and there is a small physicochemical difference between leucine and methionine. This variant is not present in population databases (ExAC no frequency). This variant has not been reported in the literature in individuals with GABRB2-related conditions. Algorithms developed to predict the effect of missense changes on protein structure and function are either unavailable or do not agree on the potential impact of this missense change (SIFT: "Deleterious"; PolyPhen-2: "Probably Damaging"; Align-GVGD: "Class C0"). In summary, the available evidence is currently insufficient to determine the role of this variant in disease. Therefore, it has been classified as a Variant of Uncertain Significance.